The following is an entry in ClinVar:

NM_000368.5(TSC1):c.112G>T (p.Gly38Cys)

Gene: TSC1 (TSC complex subunit 1; minus strand). Cytogenetic location: 9q34.13.
Variant type: single nucleotide variant.
Coding change: c.112G>T on transcript NM_000368.5 (MANE Select); coding-DNA position 112, G replaced by T.
Protein change: p.Gly38Cys; replaces glycine 38 with cysteine.
Molecular consequence: missense variant. On other transcripts: intron variant (1).
Genome position (GRCh38, 1-based): chr9:132,927,299, C>A on the plus strand (G>T on the coding strand, the complement: TSC1 is on the minus strand). VCF-style: chr9-132927299-C-A. GRCh37 (hg19) VCF-style: chr9-135802686-C-A.
Other names: c.112G>T, p.Gly38Cys (NM_001162426.2, NM_001162427.2); c.-154+1468G>T (NM_001362177.2); short protein forms G38C.
Identifiers: ClinVar variation 954069 (VCV000954069.13), dbSNP rs1846929239, ClinGen allele CA375375229.

ClinVar aggregate classification (germline): Uncertain significance. Review status: criteria provided, multiple submitters, no conflicts (2 of 4 stars). 2 submissions from 2 submitters: Uncertain significance (2). Last evaluated 2026-05-14.

Conditions:
Hereditary cancer-predisposing syndrome. Also called: Hereditary Cancer Syndrome; Neoplastic Syndromes, Hereditary; Tumor predisposition; Hereditary neoplastic syndrome. Identifiers: Orphanet 140162, MedGen C0027672, MeSH D009386, MONDO:0015356.
Tuberous sclerosis 1 (TSC1). Identifiers: Orphanet 805, MedGen C1854465, MONDO:0008612, OMIM 191100.

Submissions (2):

Ambry Genetics
Classification: Uncertain significance for Hereditary cancer-predisposing syndrome. Last evaluated: 2026-05-14. Review status: criteria provided, single submitter. Criteria: Ambry Variant Classification Scheme 2023. Collection method: clinical testing. Allele origin: germline.
Comment: The p.G38C variant (also known as c.112G>T), located in coding exon 2 of the TSC1 gene, results from a G to T substitution at nucleotide position 112. The glycine at codon 38 is replaced by cysteine, an amino acid with highly dissimilar properties. This amino acid position is highly conserved in available vertebrate species. In addition, this alteration is predicted to be deleterious by in silico analysis. Based on the available evidence, the clinical significance of this variant remains unclear.

Labcorp Genetics (formerly Invitae), Labcorp
Classification: Uncertain significance for Tuberous sclerosis 1. Last evaluated: 2025-05-15. Review status: criteria provided, single submitter. Criteria: Invitae Variant Classification Sherloc (09022015). Collection method: clinical testing. Allele origin: germline.
Comment: This sequence change replaces glycine, which is neutral and non-polar, with cysteine, which is neutral and slightly polar, at codon 38 of the TSC1 protein (p.Gly38Cys). This variant is not present in population databases (gnomAD no frequency). This variant has not been reported in the literature in individuals affected with TSC1-related conditions. ClinVar contains an entry for this variant (Variation ID: 954069). Invitae Evidence Modeling of protein sequence and biophysical properties (such as structural, functional, and spatial information, amino acid conservation, physicochemical variation, residue mobility, and thermodynamic stability) indicates that this missense variant is not expected to disrupt TSC1 protein function with a negative predictive value of 95%. In summary, the available evidence is currently insufficient to determine the role of this variant in disease. Therefore, it has been classified as a Variant of Uncertain Significance.